The following is an entry in ClinVar:

NM_004336.5(BUB1):c.3032G>A (p.Gly1011Glu)

Gene: BUB1 (BUB1 mitotic checkpoint serine/threonine kinase; minus strand). Cytogenetic location: 2q13.
Variant type: single nucleotide variant.
Coding change: c.3032G>A on transcript NM_004336.5 (MANE Select); coding-DNA position 3032, G replaced by A.
Protein change: p.Gly1011Glu; replaces glycine 1011 with glutamic acid.
Molecular consequence: missense variant.
Genome position (GRCh38, 1-based): chr2:110,639,772, C>T on the plus strand (G>A on the coding strand, the complement: BUB1 is on the minus strand). VCF-style: chr2-110639772-C-T. GRCh37 (hg19) VCF-style: chr2-111397349-C-T.
Other names: c.2972G>A, p.Gly991Glu (NM_001278616.2); c.2861G>A, p.Gly954Glu (NM_001278617.2); short protein forms G1011E, G954E, G991E.
Identifiers: ClinVar variation 1799057 (VCV001799057.2), dbSNP rs2467967027, ClinGen allele CA348088727.

ClinVar aggregate classification (germline): Uncertain significance (1 of 4 stars; one submission).

Allele frequency attached by ClinVar (database versions not stated): gnomAD exomes below 0.00001.

Submission:

Ambry Genetics
Classification: Uncertain significance. Last evaluated: 2022-07-18. Review status: criteria provided, single submitter. Criteria: Ambry Variant Classification Scheme 2023. Collection method: clinical testing. Allele origin: germline.
Comment: The p.G1011E variant (also known as c.3032G>A), located in coding exon 24 of the BUB1 gene, results from a G to A substitution at nucleotide position 3032. The glycine at codon 1011 is replaced by glutamic acid, an amino acid with similar properties. This amino acid position is conserved. In addition, the in silico prediction for this alteration is inconclusive. Since supporting evidence is limited at this time, the clinical significance of this alteration remains unclear.